The following is an entry in ClinVar:

NM_130384.3(ATRIP):c.345G>C (p.Glu115Asp)

Genes: ATRIP (ATR interacting protein; plus strand), ATRIP-TREX1 (ATRIP-TREX1 readthrough; plus strand). Cytogenetic location: 3p21.31.
Variant type: single nucleotide variant.
Coding change: c.345G>C on transcript NM_130384.3 (MANE Select); coding-DNA position 345, G replaced by C.
Protein change: p.Glu115Asp; replaces glutamic acid 115 with aspartic acid.
Molecular consequence: missense variant. On other transcripts: non-coding transcript variant (1), 5 prime UTR variant (1).
Genome position (GRCh38, 1-based): chr3:48,450,134, G>C. VCF-style: chr3-48450134-G-C. GRCh37 (hg19) VCF-style: chr3-48491540-G-C.
Other names: c.-120G>C (NM_001271022.2); c.66G>C, p.Glu22Asp (NM_001271023.2); c.345G>C, p.Glu115Asp (NM_032166.4); short protein forms E22D, E115D.
Identifiers: ClinVar variation 4182110 (VCV004182110.1).

ClinVar aggregate classification (germline): Uncertain significance (1 of 4 stars; one submission).

Submission:

Ambry Genetics
Classification: Uncertain significance. Last evaluated: 2025-07-15. Review status: criteria provided, single submitter. Criteria: Ambry Variant Classification Scheme 2023. Collection method: clinical testing. Allele origin: germline.
Comment: The p.E115D variant (also known as c.345G>C), located in coding exon 2 of the ATRIP gene, results from a G to C substitution at nucleotide position 345. The glutamic acid at codon 115 is replaced by aspartic acid, an amino acid with highly similar properties. This amino acid position is conserved. In addition, this alteration is predicted to be tolerated by in silico analysis. Based on the available evidence, the clinical significance of this variant remains unclear.